The following is an entry in ClinVar:

NM_001024845.3(SLC6A9):c.1516G>A (p.Val506Ile)

Gene: SLC6A9 (solute carrier family 6 member 9; minus strand). Cytogenetic location: 1p34.1.
Variant type: single nucleotide variant.
Coding change: c.1516G>A on transcript NM_001024845.3 (MANE Select); coding-DNA position 1516, G replaced by A.
Protein change: p.Val506Ile; replaces valine 506 with isoleucine.
Molecular consequence: missense variant. On other transcripts: non-coding transcript variant (1).
Genome position (GRCh38, 1-based): chr1:44,000,787, C>T on the plus strand (G>A on the coding strand, the complement: SLC6A9 is on the minus strand). VCF-style: chr1-44000787-C-T. GRCh37 (hg19) VCF-style: chr1-44466459-C-T.
Other names: c.1528G>A, p.Val510Ile (NM_001261380.2); c.1183G>A, p.Val395Ile (NM_001328626.2, NM_001328630.2); c.1453G>A, p.Val485Ile (NM_001328627.1); c.1321G>A, p.Val441Ile (NM_001328628.1); c.1516G>A, p.Val506Ile (NM_001328629.1); c.1573G>A, p.Val525Ile (NM_006934.4); c.1735G>A, p.Val579Ile (NM_201649.4); short protein forms V395I, V441I, V485I, V506I, V510I, V525I, V579I.
Identifiers: ClinVar variation 3613009 (VCV003613009.2).

ClinVar aggregate classification (germline): Uncertain significance (1 of 4 stars; one submission).

Conditions:
Atypical glycine encephalopathy. Also called: Glycine encephalopathy with normal serum glycine. Identifiers: Orphanet 289863, MedGen C4310943, MONDO:0015010, OMIM 617301.

gnomAD v4.1: 10 of 1,609,062 alleles (0.00062%); highest among the groups gnomAD compares: African/African-American, 0.0053%; no homozygotes.

Submission:

Labcorp Genetics (formerly Invitae), Labcorp
Classification: Uncertain significance for Atypical glycine encephalopathy. Last evaluated: 2024-10-30. Review status: criteria provided, single submitter. Criteria: Invitae Variant Classification Sherloc (09022015). Collection method: clinical testing. Allele origin: germline.
Comment: This sequence change replaces valine, which is neutral and non-polar, with isoleucine, which is neutral and non-polar, at codon 579 of the SLC6A9 protein (p.Val579Ile). This variant is not present in population databases (gnomAD no frequency). This variant has not been reported in the literature in individuals affected with SLC6A9-related conditions. An algorithm developed to predict the effect of missense changes on protein structure and function (PolyPhen-2) suggests that this variant is likely to be tolerated. In summary, the available evidence is currently insufficient to determine the role of this variant in disease. Therefore, it has been classified as a Variant of Uncertain Significance.